The following is an entry in ClinVar:

ClinVar aggregate classification (germline): Uncertain significance (1 of 4 stars; one submission).

Conditions:
Hyperphosphatasia with impaired intellectual development syndrome 2. Also called: Hyperphosphatasia with intellectual disability syndrome 2; GLYCOSYLPHOSPHATIDYLINOSITOL BIOSYNTHESIS DEFECT 6. Identifiers: Orphanet 247262, MedGen C3553637, MONDO:0013882, OMIM 614749.

Allele frequency attached by ClinVar (database versions not stated): gnomAD exomes below 0.00001.
gnomAD v4.1: 3 of 1,614,132 alleles (0.00019%); highest among the groups gnomAD compares: African/African-American, 0.0027%; no homozygotes.

Submission:

Labcorp Genetics (formerly Invitae), Labcorp
Classification: Uncertain significance for Hyperphosphatasia with impaired intellectual development syndrome 2. Last evaluated: 2023-08-17. Review status: criteria provided, single submitter. Criteria: Invitae Variant Classification Sherloc (09022015). Collection method: clinical testing. Allele origin: germline.
Comment: In summary, the available evidence is currently insufficient to determine the role of this variant in disease. Therefore, it has been classified as a Variant of Uncertain Significance. This sequence change replaces alanine, which is neutral and non-polar, with valine, which is neutral and non-polar, at codon 498 of the PIGO protein (p.Ala498Val). This variant is not present in population databases (gnomAD no frequency). This variant has not been reported in the literature in individuals affected with PIGO-related conditions. ClinVar contains an entry for this variant (Variation ID: 1520739). Algorithms developed to predict the effect of missense changes on protein structure and function output the following: SIFT: "Not Available"; PolyPhen-2: "Benign"; Align-GVGD: "Not Available". The valine amino acid residue is found in multiple mammalian species, which suggests that this missense change does not adversely affect protein function.

NM_032634.4(PIGO):c.1493C>T (p.Ala498Val)

Gene: PIGO (phosphatidylinositol glycan anchor biosynthesis class O; minus strand). Cytogenetic location: 9p13.3.
Variant type: single nucleotide variant.
Coding change: c.1493C>T on transcript NM_032634.4 (MANE Select); coding-DNA position 1493, C replaced by T.
Protein change: p.Ala498Val; replaces alanine 498 with valine.
Molecular consequence: missense variant. On other transcripts: intron variant (2).
Genome position (GRCh38, 1-based): chr9:35,092,394, G>A on the plus strand (C>T on the coding strand, the complement: PIGO is on the minus strand). VCF-style: chr9-35092394-G-A. GRCh37 (hg19) VCF-style: chr9-35092391-G-A.
Other names: c.1344+149C>T (NM_152850.4, NM_001201484.2); short protein forms A498V.
Identifiers: ClinVar variation 1520739 (VCV001520739.6), dbSNP rs139997527, ClinGen allele CA373322006.